The following is an entry in ClinVar:

ClinVar aggregate classification (germline): Likely pathogenic (1 of 4 stars; one submission).

Submission:

Mayo Clinic Laboratories, Mayo Clinic
Classification: Likely pathogenic. Last evaluated: 2025-02-18. Review status: criteria provided, single submitter. Criteria: ACMG Guidelines, 2015. Collection method: clinical testing. Allele origin: germline. Observed: 1 variant allele.
Comment: PM2_supporting, PVS1

NM_003114.5(SPAG1):c.777dup (p.Ser260Ter)

Gene: SPAG1 (sperm associated antigen 1; plus strand). Cytogenetic location: 8q22.2.
Variant type: Duplication.
Coding change: c.777dup on transcript NM_003114.5 (MANE Select); coding-DNA position 777, one base duplicated (T; older notation c.777dupT).
Protein change: p.Ser260Ter; replaces serine 260 with a stop codon.
Molecular consequence: nonsense.
Genome position (GRCh38, 1-based): chr8:100,187,195, T duplicated. VCF-style (leftmost placement, unchanged base first): chr8-100187194-A-AT. GRCh37 (hg19) VCF-style: chr8-101199422-A-AT.
Other names: p.Ser260*; c.777dup, p.Ser260Ter (NM_001374321.1, NM_172218.3); short protein forms S260*.
Identifiers: ClinVar variation 4541391 (VCV004541391.1).